The following is an entry in ClinVar:

ClinVar aggregate classification (germline): Uncertain significance (1 of 4 stars; one submission).

gnomAD v4.1: 76 of 1,531,948 alleles (0.005%); highest among the groups gnomAD compares: Non-Finnish European, 0.0066%; no homozygotes.

Submission:

Labcorp Genetics (formerly Invitae), Labcorp
Classification: Uncertain significance. Last evaluated: 2022-06-08. Review status: criteria provided, single submitter. Criteria: Invitae Variant Classification Sherloc (09022015). Collection method: clinical testing. Allele origin: germline.
Comment: This sequence change replaces proline, which is neutral and non-polar, with leucine, which is neutral and non-polar, at codon 686 of the SYNPO protein (p.Pro686Leu). In summary, the available evidence is currently insufficient to determine the role of this variant in disease. Therefore, it has been classified as a Variant of Uncertain Significance. Algorithms developed to predict the effect of missense changes on protein structure and function are either unavailable or do not agree on the potential impact of this missense change (SIFT: "Deleterious"; PolyPhen-2: "Probably Damaging"; Align-GVGD: "Class C0"). This variant has not been reported in the literature in individuals affected with SYNPO-related conditions. The frequency data for this variant in the population databases is considered unreliable, as metrics indicate poor data quality at this position in the gnomAD database.

NM_007286.6(SYNPO):c.2057C>T (p.Pro686Leu)

Genes: SYNPO (synaptopodin; plus strand), LOC129995010 (ATAC-STARR-seq lymphoblastoid silent region 16515; plus strand). Cytogenetic location: 5q33.1.
Variant type: single nucleotide variant.
Coding change: c.2057C>T on transcript NM_007286.6 (MANE Select); coding-DNA position 2057, C replaced by T.
Protein change: p.Pro686Leu; replaces proline 686 with leucine.
Molecular consequence: missense variant.
Genome position (GRCh38, 1-based): chr5:150,656,432, C>T. VCF-style: chr5-150656432-C-T. GRCh37 (hg19) VCF-style: chr5-150035994-C-T.
Other names: short protein forms P686L.
Identifiers: ClinVar variation 2153330 (VCV002153330.4), dbSNP rs774669566, ClinGen allele CA3513572.